The following is an entry in ClinVar:

ClinVar aggregate classification (germline): Pathogenic. Review status: criteria provided, multiple submitters, no conflicts (2 of 4 stars). 4 submissions from 4 submitters: Pathogenic (4). Last evaluated 2022-03-15.

Conditions:
Hereditary cancer-predisposing syndrome. Also called: Hereditary neoplastic syndrome; Tumor predisposition; Neoplastic Syndromes, Hereditary; Hereditary Cancer Syndrome. Identifiers: Orphanet 140162, MedGen C0027672, MeSH D009386, MONDO:0015356.
Cardiovascular phenotype. Identifiers: MedGen CN230736.
Neurofibromatosis, type 1 (NF1). Also called: Neurofibromatosis, type I; NEUROFIBROMATOSIS, TYPE I, SOMATIC; Peripheral type neurofibromatosis; VON RECKLINGHAUSEN DISEASE. Identifiers: Orphanet 636, MedGen C0027831, MONDO:0018975, OMIM 162200. Disease mechanism: loss of function.

Submissions (4):

Genome-Nilou Lab
Classification: Pathogenic for Neurofibromatosis, type 1. Last evaluated: 2022-03-15. Review status: criteria provided, single submitter. Criteria: ACMG Guidelines, 2015. Collection method: clinical testing. Allele origin: germline. Affected: no.

Institute for Clinical Genetics, University Hospital TU Dresden, University Hospital TU Dresden
Classification: Pathogenic. Last evaluated: 2021-11-03. Review status: criteria provided, single submitter. Criteria: ACMG Guidelines, 2015. Collection method: clinical testing. Allele origin: germline.

Labcorp Genetics (formerly Invitae), Labcorp
Classification: Pathogenic for Neurofibromatosis, type 1. Last evaluated: 2019-11-16. Review status: criteria provided, single submitter. Criteria: Invitae Variant Classification Sherloc (09022015). Collection method: clinical testing. Allele origin: germline.
Comment: This sequence change affects an acceptor splice site in intron 46 of the NF1 gene. It is expected to disrupt RNA splicing and likely results in an absent or disrupted protein product. This variant is not present in population databases (ExAC no frequency). This variant has been observed in individuals with neurofibromatosis type 1 (PMID: 23913538, Invitae). ClinVar contains an entry for this variant (Variation ID: 428994). Donor and acceptor splice site variants typically lead to a loss of protein function (PMID: 16199547), and loss-of-function variants in NF1 are known to be pathogenic (PMID: 10712197, 23913538). For these reasons, this variant has been classified as Pathogenic.

Ambry Genetics
Classification: Pathogenic for Cardiovascular phenotype; Hereditary cancer-predisposing syndrome. Last evaluated: 2016-04-20. Review status: criteria provided, single submitter. Criteria: Ambry Variant Classification Scheme 2023. Collection method: clinical testing. Allele origin: germline.
Comment: The c.7000-1G>T intronic pathogenic mutation results from a G to T substitution one nucleotide upstream from coding exon 47 of the NF1 gene. Another pathogenic mutation at the same nucleotide position (c.7000-1G>A) has been described in a proband with NF1 (Sabbagh A et al. Hum. Mutat. 2013 Nov; 34(11):1510-8). In addition to the clinical data presented in the literature, since alterations that disrupt the canonical splice acceptor site are typically deleterious in nature, this alteration is interpreted as a disease-causing mutation (ACMG Recommendations for Standards for Interpretation and Reporting of Sequence Variations. Revision 2007. Genet Med. 2008;10:294).

Literature cited by the submitters: PubMed 23913538 (cited by Labcorp Genetics (formerly Invitae), Labcorp); PubMed 16199547 (cited by Labcorp Genetics (formerly Invitae), Labcorp); PubMed 10712197 (cited by Labcorp Genetics (formerly Invitae), Labcorp).

NM_001042492.3(NF1):c.7063-1G>T

Gene: NF1 (neurofibromin 1; plus strand). Cytogenetic location: 17q11.2.
Variant type: single nucleotide variant.
Coding change: c.7063-1G>T on transcript NM_001042492.3 (MANE Select); the canonical splice acceptor site of the intron before coding-DNA position 7063, G replaced by T.
Molecular consequence: splice acceptor variant.
Genome position (GRCh38, 1-based): chr17:31,343,008, G>T. VCF-style: chr17-31343008-G-T. GRCh37 (hg19) VCF-style: chr17-29670026-G-T.
Other names: c.7000-1G>T (NM_000267.4).
Identifiers: ClinVar variation 428994 (VCV000428994.17), dbSNP rs1131691114, ClinGen allele CA399015498.